The following is an entry in ClinVar:

ClinVar aggregate classification (germline): Likely benign (1 of 4 stars; one submission).

Submission:

CeGaT Center for Human Genetics Tuebingen
Classification: Likely benign. Last evaluated: 2026-05-01. Review status: criteria provided, single submitter. Criteria: CeGaT Center For Human Genetics Tuebingen Variant Classification Criteria Version 2. Collection method: clinical testing. Allele origin: germline. Affected: yes. Observed: 1 variant allele.
Comment: TARS2: BP4, BP7

NM_025150.5(TARS2):c.1719G>A (p.Gly573=)

Gene: TARS2 (threonyl-tRNA synthetase 2, mitochondrial; plus strand). Cytogenetic location: 1q21.2.
Variant type: single nucleotide variant.
Coding change: c.1719G>A on transcript NM_025150.5 (MANE Select); coding-DNA position 1719, G replaced by A.
Protein change: p.Gly573=; no amino-acid change (glycine 573 retained).
Molecular consequence: synonymous variant. On other transcripts: non-coding transcript variant (2).
Genome position (GRCh38, 1-based): chr1:150,504,632, G>A. VCF-style: chr1-150504632-G-A. GRCh37 (hg19) VCF-style: chr1-150477108-G-A.
Other names: c.1473G>A, p.Gly491= (NM_001271895.2); c.1329G>A, p.Gly443= (NM_001271896.2).
Identifiers: ClinVar variation 4874356 (VCV004874356.2).